The following is an entry in ClinVar:

ClinVar aggregate classification (germline): Uncertain significance (1 of 4 stars; one submission).

Conditions:
Charcot-Marie-Tooth disease dominant intermediate B (CMTDIB). Also called: Charcot-Marie-Tooth disease dominant intermediate 1; CMT DI1; Charcot-Marie-Tooth disease dominant intermediate I; CHARCOT-MARIE-TOOTH NEUROPATHY, DOMINANT INTERMEDIATE B. Identifiers: Orphanet 100044, Orphanet 228179, MedGen C1847902, MONDO:0011674, OMIM 606482.

Submission:

Labcorp Genetics (formerly Invitae), Labcorp
Classification: Uncertain significance for Charcot-Marie-Tooth disease dominant intermediate B. Last evaluated: 2022-07-23. Review status: criteria provided, single submitter. Criteria: Invitae Variant Classification Sherloc (09022015). Collection method: clinical testing. Allele origin: germline.
Comment: In summary, the available evidence is currently insufficient to determine the role of this variant in disease. Therefore, it has been classified as a Variant of Uncertain Significance. Algorithms developed to predict the effect of missense changes on protein structure and function (SIFT, PolyPhen-2, Align-GVGD) all suggest that this variant is likely to be disruptive. This variant has not been reported in the literature in individuals affected with DNM2-related conditions. This variant is not present in population databases (gnomAD no frequency). This sequence change replaces arginine, which is basic and polar, with tryptophan, which is neutral and slightly polar, at codon 66 of the DNM2 protein (p.Arg66Trp).

NM_001005361.3(DNM2):c.196C>T (p.Arg66Trp)

Gene: DNM2 (dynamin 2; plus strand). Cytogenetic location: 19p13.2.
Variant type: single nucleotide variant.
Coding change: c.196C>T on transcript NM_001005361.3 (MANE Select); coding-DNA position 196, C replaced by T.
Protein change: p.Arg66Trp; replaces arginine 66 with tryptophan.
Molecular consequence: missense variant.
Genome position (GRCh38, 1-based): chr19:10,759,772, C>T. VCF-style: chr19-10759772-C-T. GRCh37 (hg19) VCF-style: chr19-10870448-C-T.
Other names: c.196C>T, p.Arg66Trp (NM_001005360.3, NM_001005362.3, NM_001190716.2 and 1 more transcripts); short protein forms R66W.
Identifiers: ClinVar variation 1713534 (VCV001713534.5), dbSNP rs192573717, ClinGen allele CA305257869.